The following is an entry in ClinVar:

NM_138420.4(AHNAK2):c.5080C>T (p.Leu1694Phe)

Gene: AHNAK2 (AHNAK nucleoprotein 2; minus strand). Cytogenetic location: 14q32.33.
Variant type: single nucleotide variant.
Coding change: c.5080C>T on transcript NM_138420.4 (MANE Select); coding-DNA position 5080, C replaced by T.
Protein change: p.Leu1694Phe; replaces leucine 1694 with phenylalanine.
Molecular consequence: missense variant.
Genome position (GRCh38, 1-based): chr14:104,950,371, G>A on the plus strand (C>T on the coding strand, the complement: AHNAK2 is on the minus strand). VCF-style: chr14-104950371-G-A. GRCh37 (hg19) VCF-style: chr14-105416708-G-A.
Other names: c.4780C>T, p.Leu1594Phe (NM_001350929.2); short protein forms L1594F, L1694F.
Identifiers: ClinVar variation 2644806 (VCV002644806.24), dbSNP rs202046475, ClinGen allele CA7382007.

ClinVar aggregate classification (germline): Likely benign (1 of 4 stars; one submission).

Allele frequency attached by ClinVar (database versions not stated): gnomAD 0.00041; ExAC 0.00072; 1000 Genomes Project 30x 0.00141; 1000 Genomes Project 0.00200.
gnomAD v4.1: 361 of 1,586,110 alleles (0.023%); highest among the groups gnomAD compares: East Asian, 0.41%; 19 homozygotes.

Submission:

CeGaT Center for Human Genetics Tuebingen
Classification: Likely benign. Last evaluated: 2023-03-01. Review status: criteria provided, single submitter. Criteria: CeGaT Center For Human Genetics Tuebingen Variant Classification Criteria Version 2. Collection method: clinical testing. Allele origin: germline. Affected: yes. Observed: 1 variant allele.
Comment: AHNAK2: BP4, BS2